The following is an entry in ClinVar:

NM_001166108.2(PALLD):c.1965-12618C>G

Gene: PALLD (palladin, cytoskeletal associated protein; plus strand). Cytogenetic location: 4q32.3.
Variant type: single nucleotide variant.
Coding change: c.1965-12618C>G on transcript NM_001166108.2 (MANE Select); 12618 bases into the intron before coding-DNA position 1965, C replaced by G.
Molecular consequence: intron variant. On other transcripts: missense variant (1).
Genome position (GRCh38, 1-based): chr4:168,878,304, C>G. VCF-style: chr4-168878304-C-G. GRCh37 (hg19) VCF-style: chr4-169799455-C-G.
Other names: c.413C>G, p.Thr138Arg (NM_001166110.2); c.1965-12618C>G (NM_016081.4); c.819-12618C>G (NM_001166109.2); c.-157-12618C>G (NM_001367570.1, NM_001367568.1, NM_001367567.1 and 1 more transcripts); short protein forms T138R.
Identifiers: ClinVar variation 4130379 (VCV004130379.1).

ClinVar aggregate classification (germline): Uncertain significance (1 of 4 stars; one submission).

Submission:

Ambry Genetics
Classification: Uncertain significance. Last evaluated: 2025-09-14. Review status: criteria provided, single submitter. Criteria: Ambry Variant Classification Scheme 2023. Collection method: clinical testing. Allele origin: germline.
Comment: The p.T138R variant (also known as c.413C>G), located in coding exon 1 of the PALLD gene, results from a C to G substitution at nucleotide position 413. The threonine at codon 138 is replaced by arginine, an amino acid with similar properties. This amino acid position is conserved. In addition, this alteration is predicted to be tolerated by in silico analysis. Based on the available evidence, the clinical significance of this variant remains unclear.